The following is an entry in ClinVar:

ClinVar aggregate classification (germline): Uncertain significance. Review status: criteria provided, multiple submitters, no conflicts (2 of 4 stars). 3 submissions from 3 submitters: Uncertain significance (2). 1 of the submissions does not count toward it. Last evaluated 2022-08-16.

Conditions:
Methylmalonic aciduria due to complete methylmalonyl-CoA mutase deficiency.
Methylmalonic aciduria due to methylmalonyl-CoA mutase deficiency (MAMM). Also called: Methylmalonic aciduria, mut type. Identifiers: Orphanet 27, MedGen C1855114, MONDO:0009612, OMIM 251000.

Allele frequency attached by ClinVar (database versions not stated): ExAC 0.00001; gnomAD exomes 0.00001 and 0.00002; TOPMed 0.00001; gnomAD 0.00003.
gnomAD v4.1: 30 of 1,613,654 alleles (0.0019%); highest among the groups gnomAD compares: Non-Finnish European, 0.0025%; no homozygotes.

Submissions (3):

Labcorp Genetics (formerly Invitae), Labcorp
Classification: Uncertain significance. Last evaluated: 2022-08-16. Review status: criteria provided, single submitter. Criteria: Invitae Variant Classification Sherloc (09022015). Collection method: clinical testing. Allele origin: germline.
Comment: This sequence change replaces isoleucine, which is neutral and non-polar, with valine, which is neutral and non-polar, at codon 200 of the MUT protein (p.Ile200Val). This variant is present in population databases (rs772104231, gnomAD 0.003%). This variant has not been reported in the literature in individuals affected with MUT-related conditions. ClinVar contains an entry for this variant (Variation ID: 909694). Algorithms developed to predict the effect of missense changes on protein structure and function (SIFT, PolyPhen-2, Align-GVGD) all suggest that this variant is likely to be tolerated. In summary, the available evidence is currently insufficient to determine the role of this variant in disease. Therefore, it has been classified as a Variant of Uncertain Significance.

Illumina Laboratory Services, Illumina
Classification: Uncertain significance for Methylmalonic aciduria due to methylmalonyl-CoA mutase deficiency. Last evaluated: 2018-01-12. Review status: criteria provided, single submitter. Criteria: ICSL Variant Classification Criteria 13 December 2019. Collection method: clinical testing. Allele origin: germline.

Natera, Inc.
Classification: Uncertain significance for Methylmalonic aciduria due to complete methylmalonyl-CoA mutase deficiency. Last evaluated: 2020-07-03. Review status: no assertion criteria provided. Collection method: clinical testing. Allele origin: germline. Not counted in ClinVar's aggregate classification.

NM_000255.4(MMUT):c.598A>G (p.Ile200Val)

Gene: MMUT (methylmalonyl-CoA mutase; minus strand). Cytogenetic location: 6p12.3.
Variant type: single nucleotide variant.
Coding change: c.598A>G on transcript NM_000255.4 (MANE Select); coding-DNA position 598, A replaced by G.
Protein change: p.Ile200Val; replaces isoleucine 200 with valine.
Molecular consequence: missense variant.
Genome position (GRCh38, 1-based): chr6:49,457,846, T>C on the plus strand (A>G on the coding strand, the complement: MMUT is on the minus strand). VCF-style: chr6-49457846-T-C. GRCh37 (hg19) VCF-style: chr6-49425559-T-C.
Other names: short protein forms I200V.
Identifiers: ClinVar variation 909694 (VCV000909694.7), dbSNP rs772104231, ClinGen allele CA3847088.